The following is an entry in ClinVar:

ClinVar aggregate classification (germline): Uncertain significance. Review status: criteria provided, multiple submitters, no conflicts (2 of 4 stars). 5 submissions from 5 submitters: Uncertain significance (5). Last evaluated 2025-08-07.

Conditions:
Autosomal dominant polycystic kidney disease. Identifiers: Orphanet 730, MedGen C0085413, MONDO:0004691.
Polycystic kidney disease 2 (PKD2). Also called: POLYCYSTIC KIDNEY DISEASE, ADULT, TYPE II; POLYCYSTIC KIDNEY DISEASE 2 WITH OR WITHOUT POLYCYSTIC LIVER DISEASE; Polycystic Kidney Disease 2, Autosomal Dominant. Identifiers: MedGen C2751306, MONDO:0013131, OMIM 613095.
Inborn genetic diseases. Identifiers: MedGen C0950123, MeSH D030342.

Allele frequency attached by ClinVar (database versions not stated): gnomAD 0.00001 and 0.00002; TOPMed 0.00002; gnomAD exomes 0.00003.
gnomAD v4.1: 76 of 1,401,524 alleles (0.0054%); highest among the groups gnomAD compares: Non-Finnish European, 0.0069%; no homozygotes.

Submissions (5):

Labcorp Genetics (formerly Invitae), Labcorp
Classification: Uncertain significance for Autosomal dominant polycystic kidney disease. Last evaluated: 2025-08-07. Review status: criteria provided, single submitter. Criteria: Invitae Variant Classification Sherloc (09022015). Collection method: clinical testing. Allele origin: germline.
Comment: This sequence change replaces proline, which is neutral and non-polar, with leucine, which is neutral and non-polar, at codon 162 of the PKD2 protein (p.Pro162Leu). This variant is present in population databases (no rsID available, gnomAD 0.007%). This variant has not been reported in the literature in individuals affected with PKD2-related conditions. ClinVar contains an entry for this variant (Variation ID: 1334079). An algorithm developed to predict the effect of missense changes on protein structure and function (PolyPhen-2) suggests that this variant is likely to be tolerated. In summary, the available evidence is currently insufficient to determine the role of this variant in disease. Therefore, it has been classified as a Variant of Uncertain Significance.

Ambry Genetics
Classification: Uncertain significance for Inborn genetic diseases. Last evaluated: 2024-11-09. Review status: criteria provided, single submitter. Criteria: Ambry Variant Classification Scheme 2023. Collection method: clinical testing. Allele origin: germline.

CeGaT Center for Human Genetics Tuebingen
Classification: Uncertain significance. Last evaluated: 2022-08-01. Review status: criteria provided, single submitter. Criteria: CeGaT Center For Human Genetics Tuebingen Variant Classification Criteria Version 2. Collection method: clinical testing. Allele origin: germline. Affected: yes. Observed: 1 variant allele.

Fulgent Genetics
Classification: Uncertain significance for Polycystic kidney disease 2. Last evaluated: 2022-04-20. Review status: criteria provided, single submitter. Criteria: ACMG Guidelines, 2015. Collection method: clinical testing. Allele origin: unknown.

CENTOGENE GmbH and LLC - Guiding Precision Medicine
Classification: Uncertain significance for Polycystic kidney disease 2. Last evaluated: 2020-12-25. Review status: criteria provided, single submitter. Criteria: ACMG Guidelines, 2015. Collection method: clinical testing. Allele origin: germline. Affected: yes.

NM_000297.4(PKD2):c.485C>T (p.Pro162Leu)

Genes: PKD2 (polycystin 2, transient receptor potential cation channel; plus strand), LOC129992813 (ATAC-STARR-seq lymphoblastoid silent region 15559; plus strand). Cytogenetic location: 4q22.1.
Variant type: single nucleotide variant.
Coding change: c.485C>T on transcript NM_000297.4 (MANE Select); coding-DNA position 485, C replaced by T.
Protein change: p.Pro162Leu; replaces proline 162 with leucine.
Molecular consequence: missense variant. On other transcripts: non-coding transcript variant (1).
Genome position (GRCh38, 1-based): chr4:88,008,218, C>T. VCF-style: chr4-88008218-C-T. GRCh37 (hg19) VCF-style: chr4-88929370-C-T.
Other names: short protein forms P162L.
Identifiers: ClinVar variation 1334079 (VCV001334079.30), dbSNP rs1034653764, ClinGen allele CA100873277.